The following is an entry in ClinVar:

NM_001039464.4(MROH7):c.3729T>A (p.Ala1243=)

Genes: MROH7 (maestro heat like repeat family member 7; plus strand), MROH7-TTC4 (MROH7-TTC4 readthrough (NMD candidate); plus strand). Cytogenetic location: 1p32.3.
Variant type: single nucleotide variant.
Coding change: c.3729T>A on transcript NM_001039464.4 (MANE Select); coding-DNA position 3729, T replaced by A.
Protein change: p.Ala1243=; no amino-acid change (alanine 1243 retained).
Molecular consequence: synonymous variant. On other transcripts: non-coding transcript variant (4).
Genome position (GRCh38, 1-based): chr1:54,709,075, T>A. VCF-style: chr1-54709075-T-A. GRCh37 (hg19) VCF-style: chr1-55174748-T-A.
Other names: c.2283T>A, p.Ala761= (NM_001291332.2).
Identifiers: ClinVar variation 2638835 (VCV002638835.24), dbSNP rs145464693, ClinGen allele CA868775.

ClinVar aggregate classification (germline): Likely benign (1 of 4 stars; one submission).

Allele frequency attached by ClinVar (database versions not stated): gnomAD exomes 0.00025; ExAC 0.00067; gnomAD 0.00185; TOPMed 0.00213; ESP Exome Variant Server 0.00230; 1000 Genomes Project 30x 0.00328; 1000 Genomes Project 0.00359.

Submission:

CeGaT Center for Human Genetics Tuebingen
Classification: Likely benign. Last evaluated: 2023-01-01. Review status: criteria provided, single submitter. Criteria: CeGaT Center For Human Genetics Tuebingen Variant Classification Criteria Version 2. Collection method: clinical testing. Allele origin: germline. Affected: yes. Observed: 1 variant allele.
Comment: MROH7: BP4, BP7